The following is an entry in ClinVar:

NM_025137.4(SPG11):c.1933A>G (p.Ser645Gly)

Gene: SPG11 (SPG11 vesicle trafficking associated, spatacsin; minus strand). Cytogenetic location: 15q21.1.
Variant type: single nucleotide variant.
Coding change: c.1933A>G on transcript NM_025137.4 (MANE Select); coding-DNA position 1933, A replaced by G.
Protein change: p.Ser645Gly; replaces serine 645 with glycine.
Molecular consequence: missense variant.
Genome position (GRCh38, 1-based): chr15:44,628,803, T>C on the plus strand (A>G on the coding strand, the complement: SPG11 is on the minus strand). VCF-style: chr15-44628803-T-C. GRCh37 (hg19) VCF-style: chr15-44921001-T-C.
Other names: c.1933A>G, p.Ser645Gly (NM_001160227.2); short protein forms S645G.
Identifiers: ClinVar variation 1059480 (VCV001059480.6), dbSNP rs768519061, ClinGen allele CA7535387.
Genomic context (GRCh38, chr15:44,628,803, plus strand): 5'-TAGCATCTGTTAGCTTCCAAGGAAACTTTATCATGAAGGTTCGAAGTTCATTAATGTAGC[T>C]AGTCAAAATGTTCACTCCTTTTTGCAGATGTTCATCTAGTTCTATGGAAAATACCAATGT-3'
Protein context (NP_079413.3, residues 635-655): HLQKGVNILT[Ser645Gly]YINELRTFMI

ClinVar aggregate classification (germline): Uncertain significance (1 of 4 stars; one submission).

Conditions:
Hereditary spastic paraplegia 11. Also called: Nakamura Osame syndrome; Autosomal recessive hereditary spastic paraplegia, mental impairment, and thin corpus callosum; Spastic paraplegia, mental retardation and thin corpus callosum; SPASTIC PARAPLEGIA, AUTOSOMAL RECESSIVE, COMPLICATED, WITH THIN CORPUS CALLOSUM; SPASTIC PARAPLEGIA, AUTOSOMAL RECESSIVE, WITH MENTAL IMPAIRMENT AND THIN CORPUS CALLOSUM; Spastic Paraplegia 11. Identifiers: Orphanet 2822, MedGen C1858479, MONDO:0011445, OMIM 604360.

Allele frequency attached by ClinVar (database versions not stated): gnomAD 0.00001; gnomAD exomes 0.00002 and 0.00005; TOPMed 0.00003; ExAC 0.00006.
gnomAD v4.1: 26 of 1,613,576 alleles (0.0016%); highest among the groups gnomAD compares: East Asian, 0.047%; no homozygotes.

Submission:

Labcorp Genetics (formerly Invitae), Labcorp
Classification: Uncertain significance for Hereditary spastic paraplegia 11. Last evaluated: 2021-08-24. Review status: criteria provided, single submitter. Criteria: Invitae Variant Classification Sherloc (09022015). Collection method: clinical testing. Allele origin: germline.
Comment: This sequence change replaces serine with glycine at codon 645 of the SPG11 protein (p.Ser645Gly). The serine residue is moderately conserved and there is a small physicochemical difference between serine and glycine. This variant is present in population databases (rs768519061, ExAC 0.08%). This variant has not been reported in the literature in individuals affected with SPG11-related conditions. Algorithms developed to predict the effect of missense changes on protein structure and function (SIFT, PolyPhen-2, Align-GVGD) all suggest that this variant is likely to be tolerated. In summary, the available evidence is currently insufficient to determine the role of this variant in disease. Therefore, it has been classified as a Variant of Uncertain Significance.